The following is an entry in ClinVar:

NM_006846.4(SPINK5):c.2015+5G>A

Gene: SPINK5 (serine peptidase inhibitor Kazal type 5; plus strand). Cytogenetic location: 5q32.
Variant type: single nucleotide variant.
Coding change: c.2015+5G>A on transcript NM_006846.4 (MANE Select); 5 bases into the intron after coding-DNA position 2015, G replaced by A.
Molecular consequence: intron variant.
Genome position (GRCh38, 1-based): chr5:148,114,494, G>A. VCF-style: chr5-148114494-G-A. GRCh37 (hg19) VCF-style: chr5-147494057-G-A.
Other names: NC_000005.9:g.147494057G>A; c.2015+5G>A (NM_001127698.2, NM_001127699.2).
Identifiers: ClinVar variation 2683651 (VCV002683651.2), dbSNP rs374012512, ClinGen allele CA3495817.

ClinVar aggregate classification (germline): Likely pathogenic (1 of 4 stars; one submission).

Allele frequency attached by ClinVar (database versions not stated): TOPMed below 0.00001; ExAC 0.00001; ESP Exome Variant Server 0.00008.

Submissions (2):

Mayo Clinic Laboratories, Mayo Clinic
Classification: Likely pathogenic. Last evaluated: 2022-11-03. Review status: criteria provided, single submitter. Criteria: ACMG Guidelines, 2015. Collection method: clinical testing. Allele origin: germline. Observed: 1 variant allele.
Comment: PP3, PP4, PM2_supporting, PS4_moderate

Dr. Peter K. Rogan Lab, Western University
No classification provided (evidence only). Condition: Ovarian serous cystadenocarcinoma. Review status: no classification provided. Collection method: in vitro. Allele origin: not applicable. Functional consequence: retained intron. Not counted in ClinVar's aggregate classification.

Literature cited by the submitters: PubMed 33534181 (cited by Mayo Clinic Laboratories, Mayo Clinic).